The following is an entry in ClinVar:

NM_144670.6(A2ML1):c.702A>T (p.Glu234Asp)

Gene: A2ML1 (alpha-2-macroglobulin like 1; plus strand). Cytogenetic location: 12p13.31.
Variant type: single nucleotide variant.
Coding change: c.702A>T on transcript NM_144670.6 (MANE Select); coding-DNA position 702, A replaced by T.
Protein change: p.Glu234Asp; replaces glutamic acid 234 with aspartic acid.
Molecular consequence: missense variant.
Genome position (GRCh38, 1-based): chr12:8,836,313, A>T. VCF-style: chr12-8836313-A-T. GRCh37 (hg19) VCF-style: chr12-8988909-A-T.
Other names: short protein forms E234D.
Identifiers: ClinVar variation 1756765 (VCV001756765.3), dbSNP rs2539203683, ClinGen allele CA383822187.

ClinVar aggregate classification (germline): Uncertain significance (1 of 4 stars; one submission).

Submission:

Ambry Genetics
Classification: Uncertain significance. Last evaluated: 2022-04-19. Review status: criteria provided, single submitter. Criteria: Ambry Variant Classification Scheme 2023. Collection method: clinical testing. Allele origin: germline.
Comment: The p.E234D variant (also known as c.702A>T), located in coding exon 7 of the A2ML1 gene, results from an A to T substitution at nucleotide position 702. The glutamic acid at codon 234 is replaced by aspartic acid, an amino acid with highly similar properties. This amino acid position is conserved. In addition, this alteration is predicted to be tolerated by in silico analysis. Since supporting evidence is limited at this time, the clinical significance of this alteration remains unclear.